The following is an entry in ClinVar:

GRCh37/hg19 22q11.21(chr22:18648867-21798907)x3

Genes: AIFM3 (AIF family member 3; plus strand), ARVCF (ARVCF delta catenin family member; minus strand), C22orf39 (chromosome 22 open reading frame 39; minus strand), CDC45 (cell division cycle 45; plus strand), CLDN5 (claudin 5; minus strand) and 46 more. Cytogenetic location: 22q11.21.
Variant type: copy number gain.
Change: copy number 3 (three copies instead of two) of chr22:18,648,867-21,798,907 (3.15 Mb, GRCh37 coordinates, 1-based), cytogenetic band 22q11.21.
Identifiers: ClinVar variation 1808620 (VCV001808620.2).

ClinVar aggregate classification (germline): Pathogenic (1 of 4 stars; one submission).

Submission:

Quest Diagnostics Nichols Institute San Juan Capistrano
Classification: Pathogenic. Last evaluated: 2024-02-12. Review status: criteria provided, single submitter. Criteria: ACMG/ClinGen CNV Guidelines, 2019. Collection method: clinical testing. Allele origin: unknown.
Comment: This copy number gain is associated with the proximal (LCR22 A-D) 22q11.2 duplication syndrome (ISCA-37446; OMIM 608363). Duplications of this locus have been associated with a broad range of features (Clements et al., Mol Autism. 2017 Oct 27:8:58. PMID: 29090080; Wenger et al. Mol Autism. 2016 May 6;7:27. PMID: 27158440). Thus, this CNV is classified as pathogenic.